The following is an entry in ClinVar:

NM_005392.4(PHF2):c.1070T>C (p.Leu357Pro)

Gene: PHF2 (PHD finger protein 2; plus strand). Cytogenetic location: 9q22.31.
Variant type: single nucleotide variant.
Coding change: c.1070T>C on transcript NM_005392.4 (MANE Select); coding-DNA position 1070, T replaced by C.
Protein change: p.Leu357Pro; replaces leucine 357 with proline.
Molecular consequence: missense variant.
Genome position (GRCh38, 1-based): chr9:93,656,518, T>C. VCF-style: chr9-93656518-T-C. GRCh37 (hg19) VCF-style: chr9-96418800-T-C.
Other names: short protein forms L357P.
Identifiers: ClinVar variation 5000738 (VCV005000738.1).

ClinVar aggregate classification (germline): Uncertain significance (1 of 4 stars; one submission).

Conditions:
PHF2-related disorder. Also called: PHF2-related condition.

Submission:

PreventionGenetics, part of Exact Sciences
Classification: Uncertain significance for PHF2-related condition. Last evaluated: 2025-03-11. Review status: criteria provided, single submitter. Criteria: ACMG Guidelines, 2015. Collection method: clinical testing. Allele origin: germline.
Comment: The PHF2 c.1070T>C variant is predicted to result in the amino acid substitution p.Leu357Pro. To our knowledge, this variant has not been reported in the literature or in a large population database (gnomAD), indicating this variant is rare. At this time, the clinical significance of this variant is uncertain due to the absence of conclusive functional and genetic evidence.